The following is an entry in ClinVar:

NM_006073.4(TRDN):c.1292_1293del (p.Glu431fs)

Gene: TRDN (triadin; minus strand). Cytogenetic location: 6q22.31.
Variant type: Microsatellite.
Coding change: c.1292_1293del on transcript NM_006073.4 (MANE Select); coding-DNA positions 1292 to 1293, 2 bases deleted (AG; older notation c.1292_1293delAG).
Protein change: p.Glu431fs; shifts the reading frame from glutamic acid 431.
Molecular consequence: frameshift variant.
Genome position (GRCh38, 1-based): chr6:123,366,163-123,366,164, CT deleted on the plus strand (AG on the coding strand, the reverse complement: TRDN is on the minus strand); deleting any 2 consecutive bases within chr6:123,366,163-123,366,166 gives the same sequence; the c. name uses the placement nearest the transcript's 3' end. VCF-style (leftmost placement, unchanged base first): chr6-123366162-CCT-C. GRCh37 (hg19) VCF-style: chr6-123687307-CCT-C.
Other names: c.1295_1296del, p.Glu432fs (NM_001251987.2); short protein forms E431fs, E432fs.
Identifiers: ClinVar variation 809988 (VCV000809988.48), dbSNP rs1582923790, ClinGen allele CA452054578.

ClinVar aggregate classification (germline): Conflicting classifications of pathogenicity. Review status: criteria provided, conflicting classifications (1 of 4 stars). 3 submissions from 3 submitters: Likely pathogenic (1); Uncertain significance (1). 1 of the submissions does not count toward it. Last evaluated 2022-04-15.

Conditions:
Catecholaminergic polymorphic ventricular tachycardia (CVPT). Also called: Catecholamine-induced polymorphic ventricular tachycardia. Identifiers: Orphanet 3286, MedGen C5574922, MONDO:0017990.
Catecholaminergic polymorphic ventricular tachycardia 1. Also called: RYR2-Related Catecholaminergic Polymorphic Ventricular Tachycardia; VENTRICULAR TACHYCARDIA, CATECHOLAMINERGIC POLYMORPHIC, 1, WITH OR WITHOUT ATRIAL DYSFUNCTION AND/OR DILATED CARDIOMYOPATHY; VENTRICULAR TACHYCARDIA, STRESS-INDUCED POLYMORPHIC 1. Identifiers: Orphanet 3286, MedGen C1631597, MONDO:0011484, OMIM 604772.

Submissions (3):

Labcorp Genetics (formerly Invitae), Labcorp
Classification: Uncertain significance for Catecholaminergic polymorphic ventricular tachycardia 1. Last evaluated: 2022-04-15. Review status: criteria provided, single submitter. Criteria: Invitae Variant Classification Sherloc (09022015). Collection method: clinical testing. Allele origin: germline.
Comment: In summary, the available evidence is currently insufficient to determine the role of this variant in disease. Therefore, it has been classified as a Variant of Uncertain Significance. This variant has not been reported in the literature in individuals affected with TRDN-related conditions. This variant is not present in population databases (gnomAD no frequency). This sequence change creates a premature translational stop signal (p.Glu431Glyfs*8) in the TRDN gene. It is expected to result in an absent or disrupted protein product. However, the current clinical and genetic evidence is not sufficient to establish whether loss-of-function variants in TRDN cause disease.

CeGaT Center for Human Genetics Tuebingen
Classification: Likely pathogenic. Last evaluated: 2016-10-01. Review status: criteria provided, single submitter. Criteria: CeGaT Center For Human Genetics Tuebingen Variant Classification Criteria Version 2. Collection method: clinical testing. Allele origin: germline. Affected: yes. Observed: 1 variant allele.

Laboratory for Molecular Medicine, Mass General Brigham Personalized Medicine
Classification: Likely pathogenic for Catecholaminergic polymorphic ventricular tachycardia. Last evaluated: 2022-08-26. Review status: flagged submission. Criteria: ACMG Guidelines, 2015. Collection method: clinical testing. Allele origin: germline. Not counted in ClinVar's aggregate classification.
Comment: The p.Glu431GlyfsX8 variant in TRDN has not been reported in individuals with catecholaminergic polymorphic ventricular tachycardia (CPVT) and is absent in large disease databases. This variant is predicted to cause a frameshift, which alters the protein’s amino acid sequence beginning at position 431 and leads to a premature termination codon 8 amino acids downstream. This alteration is then predicted to lead to a truncated or absent protein. Loss of function of the TRDN gene is an established disease mechanism in autosomal recessive CPVT. In summary, although additional studies are required to fully establish its clinical significance, this variant meets criteria to be classified as likely pathogenic for autosomal recessive CPVT. ACMG/AMP criteria applied: PVS1, PM2_Supporting.
ClinVar note: Notes: This variant occurs in exons 9-41 of the MANE Select NM_006073.4 transcript but no valid P/LP variants have been reported due to the predominant transcript in cardiac tissue being one with only 8 exons (NM_001256021.1). Please provide evidence to support this claim.
ClinVar note: Reason: Claim with insufficient supporting evidence